The following is an entry in ClinVar:

NM_152564.5(VPS13B):c.6056A>G (p.Asn2019Ser)

Gene: VPS13B (vacuolar protein sorting 13 homolog B; plus strand). Cytogenetic location: 8q22.2.
Variant type: single nucleotide variant.
Coding change: c.6056A>G on transcript NM_152564.5 (MANE Select); coding-DNA position 6056, A replaced by G.
Protein change: p.Asn2019Ser; replaces asparagine 2019 with serine.
Molecular consequence: missense variant.
Genome position (GRCh38, 1-based): chr8:99,699,534, A>G. VCF-style: chr8-99699534-A-G. GRCh37 (hg19) VCF-style: chr8-100711762-A-G.
Other names: c.6056A>G (NM_152564.4); c.6131A>G, p.Asn2044Ser (NM_017890.5); short protein forms N2019S, N2044S.
Identifiers: ClinVar variation 589612 (VCV000589612.15), dbSNP rs534471615, ClinGen allele CA4823936.
Genomic context (GRCh38, chr8:99,699,534, plus strand): 5'-GTATTCAGTAAGAAAGCTTCAATAATTGTTTTCTCTTTTTTACTTCTATAGCGGATGTCA[A>G]TTTGGATATATCAAAGCCTTTGAAAGCAAACCTGAGTTTCACCAAACTGGATCAGATAAA-3'
Protein context (NP_689777.3, residues 2009-2029): KDFLNGPADV[Asn2019Ser]LDISKPLKAN

ClinVar aggregate classification (germline): Uncertain significance. Review status: criteria provided, multiple submitters, no conflicts (2 of 4 stars). 5 submissions from 5 submitters: Uncertain significance (4). 1 of the submissions does not count toward it. Last evaluated 2025-06-25.

Conditions:
Cohen syndrome (COH1). Also called: PEPPER SYNDROME; Cutis verticis gyrata, retinitis pigmentosa, and sensorineural deafness. Identifiers: Orphanet 193, MedGen C0265223, MONDO:0008999, OMIM 216550.
Inborn genetic diseases. Identifiers: MedGen C0950123, MeSH D030342.
VPS13B-related disorder. Also called: VPS13B-related condition.

Allele frequency attached by ClinVar (database versions not stated): gnomAD 0.00005 and 0.00007; TOPMed 0.00005; gnomAD exomes 0.00006 and 0.00012; ExAC 0.00013; 1000 Genomes Project 0.00020; 1000 Genomes Project 30x 0.00031.
gnomAD v4.1: 95 of 1,613,656 alleles (0.0059%); highest among the groups gnomAD compares: South Asian, 0.087%; 2 homozygotes.

Submissions (5):

Ambry Genetics
Classification: Uncertain significance for Inborn genetic diseases. Last evaluated: 2025-06-25. Review status: criteria provided, single submitter. Criteria: Ambry Variant Classification Scheme 2023. Collection method: clinical testing. Allele origin: germline.

PreventionGenetics, part of Exact Sciences
Classification: Uncertain significance for VPS13B-related condition. Last evaluated: 2025-04-15. Review status: criteria provided, single submitter. Criteria: ACMG Guidelines, 2015. Collection method: clinical testing. Allele origin: germline.
Comment: The VPS13B c.6056A>G variant is predicted to result in the amino acid substitution p.Asn2019Ser. To our knowledge, this variant has not been reported in the literature. This variant is reported in 0.092% of alleles in individuals of South Asian descent in gnomAD, which may be too frequent to be a primary cause of disease. Although we suspect that this variant may be benign, at this time, the clinical significance of this variant is uncertain due to the absence of conclusive functional and genetic evidence.

Labcorp Genetics (formerly Invitae), Labcorp
Classification: Uncertain significance for Cohen syndrome. Last evaluated: 2022-06-04. Review status: criteria provided, single submitter. Criteria: Invitae Variant Classification Sherloc (09022015). Collection method: clinical testing. Allele origin: germline.
Comment: This sequence change replaces asparagine, which is neutral and polar, with serine, which is neutral and polar, at codon 2044 of the VPS13B protein (p.Asn2044Ser). This variant is present in population databases (rs534471615, gnomAD 0.1%). This variant has not been reported in the literature in individuals affected with VPS13B-related conditions. ClinVar contains an entry for this variant (Variation ID: 589612). Algorithms developed to predict the effect of missense changes on protein structure and function output the following: SIFT: "Not Available"; PolyPhen-2: "Benign"; Align-GVGD: "Not Available". The serine amino acid residue is found in multiple mammalian species, which suggests that this missense change does not adversely affect protein function. In summary, the available evidence is currently insufficient to determine the role of this variant in disease. Therefore, it has been classified as a Variant of Uncertain Significance.

Illumina Laboratory Services, Illumina
Classification: Uncertain significance for Cohen syndrome. Last evaluated: 2018-01-22. Review status: criteria provided, single submitter. Criteria: ICSL Variant Classification Criteria 13 December 2019. Collection method: clinical testing. Allele origin: germline.

Natera, Inc.
Classification: Likely benign for Cohen syndrome. Last evaluated: 2019-12-31. Review status: no assertion criteria provided. Collection method: clinical testing. Allele origin: germline. Not counted in ClinVar's aggregate classification.